The following is an entry in ClinVar:

NM_014905.5(GLS):c.1683A>C (p.Ala561=)

Gene: GLS (glutaminase; plus strand). Cytogenetic location: 2q32.2.
Variant type: single nucleotide variant.
Coding change: c.1683A>C on transcript NM_014905.5 (MANE Select); coding-DNA position 1683, A replaced by C.
Protein change: p.Ala561=; no amino-acid change (alanine 561 retained).
Molecular consequence: synonymous variant.
Genome position (GRCh38, 1-based): chr2:190,953,597, A>C. VCF-style: chr2-190953597-A-C. GRCh37 (hg19) VCF-style: chr2-191818323-A-C.
Identifiers: ClinVar variation 720765 (VCV000720765.7), dbSNP rs3732211, ClinGen allele CA2029603.
Genomic context (GRCh38, chr2:190,953,597, plus strand): 5'-GGATGCCTAAACTTTCTTTTCTTCACAGGTAAAGTCAGTGATAAATCTTTTGTTTGCTGC[A>C]TATACTGGAGATGTGTCTGCACTTCGAAGGTATGTTTACAGGATGGATTAGCATGCACTT-3'
Protein context (NP_055720.3, residues 551-571): VKSVINLLFA[Ala561=]YTGDVSALRR

ClinVar aggregate classification (germline): Benign. Review status: criteria provided, multiple submitters, no conflicts (2 of 4 stars). 3 submissions from 3 submitters: Benign (2). 1 of the submissions does not count toward it. Last evaluated 2019-12-31.

Conditions:
GLS-related disorder. Also called: GLS-related condition.

Allele frequency attached by ClinVar (database versions not stated): ESP Exome Variant Server 0.00038; gnomAD 0.00363; TOPMed 0.00666; ExAC 0.00776; 1000 Genomes Project 30x 0.01249; 1000 Genomes Project 0.01438.
gnomAD v4.1: 5,071 of 1,611,020 alleles (0.31%); highest among the groups gnomAD compares: East Asian, 5.2%; 106 homozygotes.

Submissions (3):

Labcorp Genetics (formerly Invitae), Labcorp
Classification: Benign. Last evaluated: 2019-12-31. Review status: criteria provided, single submitter. Criteria: Invitae Variant Classification Sherloc (09022015). Collection method: clinical testing. Allele origin: germline.

Breakthrough Genomics
Classification: Benign. Review status: criteria provided, single submitter. Criteria: ACMG Guidelines, 2015. Collection method: not provided. Allele origin: germline. Inheritance: Autosomal recessive inheritance. Affected: yes.

PreventionGenetics, part of Exact Sciences
Classification: Benign for GLS-related condition. Last evaluated: 2019-06-17. Review status: no assertion criteria provided. Collection method: clinical testing. Allele origin: germline. Not counted in ClinVar's aggregate classification.
Comment: This variant is classified as benign based on ACMG/AMP sequence variant interpretation guidelines (Richards et al. 2015 PMID: 25741868, with internal and published modifications).